The following is an entry in ClinVar:

ClinVar aggregate classification (germline): Uncertain significance (1 of 4 stars; one submission).

Conditions:
Cardiovascular phenotype. Identifiers: MedGen CN230736.
Hereditary cancer-predisposing syndrome. Also called: Tumor predisposition; Neoplastic Syndromes, Hereditary; Hereditary Cancer Syndrome; Hereditary neoplastic syndrome. Identifiers: Orphanet 140162, MedGen C0027672, MeSH D009386, MONDO:0015356.

Submission:

Ambry Genetics
Classification: Uncertain significance for Cardiovascular phenotype; Hereditary cancer-predisposing syndrome. Last evaluated: 2025-01-17. Review status: criteria provided, single submitter. Criteria: Ambry Variant Classification Scheme 2023. Collection method: clinical testing. Allele origin: germline.
Comment: The p.F579V variant (also known as c.1735T>G), located in coding exon 16 of the NF1 gene, results from a T to G substitution at nucleotide position 1735. The phenylalanine at codon 579 is replaced by valine, an amino acid with highly similar properties. This amino acid position is conserved. In addition, this alteration is predicted to be deleterious by in silico analysis. Based on the available evidence, the clinical significance of this variant remains unclear.

NM_001042492.3(NF1):c.1735T>G (p.Phe579Val)

Gene: NF1 (neurofibromin 1; plus strand). Cytogenetic location: 17q11.2.
Variant type: single nucleotide variant.
Coding change: c.1735T>G on transcript NM_001042492.3 (MANE Select); coding-DNA position 1735, T replaced by G.
Protein change: p.Phe579Val; replaces phenylalanine 579 with valine.
Molecular consequence: missense variant.
Genome position (GRCh38, 1-based): chr17:31,223,457, T>G. VCF-style: chr17-31223457-T-G. GRCh37 (hg19) VCF-style: chr17-29550475-T-G.
Other names: c.1735T>G, p.Phe579Val (NM_000267.4); short protein forms F579V.
Identifiers: ClinVar variation 3879064 (VCV003879064.1).